The following is an entry in ClinVar:

ClinVar aggregate classification (germline): Uncertain significance (1 of 4 stars; one submission).

Conditions:
Lipodystrophy, partial, acquired, susceptibility to (APLD). Also called: APLD, SUSCEPTIBILITY TO. Identifiers: MedGen C3887501, MONDO:0100476, OMIM 608709.
Progressive myoclonic epilepsy type 9. Identifiers: Orphanet 457265, MedGen C4225289, MONDO:0014685, OMIM 616540.

Submission:

Labcorp Genetics (formerly Invitae), Labcorp
Classification: Uncertain significance for Progressive myoclonic epilepsy type 9; Lipodystrophy, partial, acquired, susceptibility to. Last evaluated: 2022-05-25. Review status: criteria provided, single submitter. Criteria: Invitae Variant Classification Sherloc (09022015). Collection method: clinical testing. Allele origin: germline.
Comment: In summary, the available evidence is currently insufficient to determine the role of this variant in disease. Therefore, it has been classified as a Variant of Uncertain Significance. Algorithms developed to predict the effect of missense changes on protein structure and function (SIFT, PolyPhen-2, Align-GVGD) all suggest that this variant is likely to be disruptive. This variant has not been reported in the literature in individuals affected with LMNB2-related conditions. This variant is not present in population databases (gnomAD no frequency). This sequence change replaces serine, which is neutral and polar, with arginine, which is basic and polar, at codon 159 of the LMNB2 protein (p.Ser159Arg).

NM_032737.4(LMNB2):c.477C>G (p.Ser159Arg)

Gene: LMNB2 (lamin B2; minus strand). Cytogenetic location: 19p13.3.
Variant type: single nucleotide variant.
Coding change: c.477C>G on transcript NM_032737.4 (MANE Select); coding-DNA position 477, C replaced by G.
Protein change: p.Ser159Arg; replaces serine 159 with arginine.
Molecular consequence: missense variant.
Genome position (GRCh38, 1-based): chr19:2,438,456, G>C on the plus strand (C>G on the coding strand, the complement: LMNB2 is on the minus strand). VCF-style: chr19-2438456-G-C. GRCh37 (hg19) VCF-style: chr19-2438454-G-C.
Other names: short protein forms S159R.
Identifiers: ClinVar variation 2163946 (VCV002163946.4), dbSNP rs923000484, ClinGen allele CA304231959.